The following is an entry in ClinVar:

NM_001352754.2(ARMC9):c.1197G>A (p.Ala399=)

Gene: ARMC9 (armadillo repeat containing 9; plus strand). Cytogenetic location: 2q37.1.
Variant type: single nucleotide variant.
Coding change: c.1197G>A on transcript NM_001352754.2 (MANE Select); coding-DNA position 1197, G replaced by A.
Protein change: p.Ala399=; no amino-acid change (alanine 399 retained).
Molecular consequence: synonymous variant. On other transcripts: non-coding transcript variant (1).
Genome position (GRCh38, 1-based): chr2:231,271,059, G>A. VCF-style: chr2-231271059-G-A. GRCh37 (hg19) VCF-style: chr2-232135772-G-A.
Other names: c.1197G>A, p.Ala399= (NM_001271466.4, NM_001291656.2, NM_001352755.2 and 3 more transcripts); c.1098G>A, p.Ala366= (NM_001352757.2, NM_001352758.2).
Identifiers: ClinVar variation 1627030 (VCV001627030.33), dbSNP rs376296930, ClinGen allele CA2160227.
Genomic context (GRCh38, chr2:231,271,059, plus strand): 5'-GCTGCACTCCACGAGCGACGTGGTGCGGCAGTACATGGCCAGGCTCATCAATGCTTTTGC[G>A]TCACTGGCAGAAGGTGAGACATCAGCTTTGCTTCAAAGATAAGAGCTAGGTCATATTGAT-3'
Protein context (NP_001339683.2, residues 389-409): QYMARLINAF[Ala399=]SLAEGRLYLA

ClinVar aggregate classification (germline): Likely benign. Review status: criteria provided, multiple submitters, no conflicts (2 of 4 stars). 3 submissions from 3 submitters: Likely benign (3). Last evaluated 2026-01-18.

Allele frequency attached by ClinVar (database versions not stated): TOPMed 0.00003; gnomAD exomes 0.00006 and 0.00007; gnomAD 0.00007; ExAC 0.00012; ESP Exome Variant Server 0.00015.
gnomAD v4.1: 99 of 1,613,950 alleles (0.0061%); highest among the groups gnomAD compares: African/African-American, 0.013%; no homozygotes.

Submissions (3):

Labcorp Genetics (formerly Invitae), Labcorp
Classification: Likely benign. Last evaluated: 2026-01-18. Review status: criteria provided, single submitter. Criteria: Invitae Variant Classification Sherloc (09022015). Collection method: clinical testing. Allele origin: germline.

Blueprint Genetics
Classification: Likely benign. Last evaluated: 2024-02-12. Review status: criteria provided, single submitter. Criteria: ACMG Guidelines, 2015. Collection method: clinical testing. Allele origin: germline.

CeGaT Center for Human Genetics Tuebingen
Classification: Likely benign. Last evaluated: 2022-07-01. Review status: criteria provided, single submitter. Criteria: CeGaT Center For Human Genetics Tuebingen Variant Classification Criteria Version 2. Collection method: clinical testing. Allele origin: germline. Affected: yes. Observed: 1 variant allele.
Comment: ARMC9: BP4, BP7